The following is an entry in ClinVar:

NM_001360.3(DHCR7):c.934_935del (p.Val312fs)

Gene: DHCR7 (7-dehydrocholesterol reductase; minus strand). Cytogenetic location: 11q13.4.
Variant type: Microsatellite.
Coding change: c.934_935del on transcript NM_001360.3 (MANE Select); coding-DNA positions 934 to 935, 2 bases deleted (GT; older notation c.934_935delGT).
Protein change: p.Val312fs; shifts the reading frame from valine 312.
Molecular consequence: frameshift variant.
Genome position (GRCh38, 1-based): chr11:71,437,840-71,437,841, AC deleted on the plus strand (GT on the coding strand, the reverse complement: DHCR7 is on the minus strand); deleting any 2 consecutive bases within chr11:71,437,840-71,437,844 gives the same sequence; the c. name uses the placement nearest the transcript's 3' end. VCF-style (leftmost placement, unchanged base first): chr11-71437839-GAC-G. GRCh37 (hg19) VCF-style: chr11-71148885-GAC-G.
Other names: c.934_935delGT (NM_001360.2); c.934_935del, p.Val312fs (NM_001163817.2); short protein forms V312fs.
Identifiers: ClinVar variation 554204 (VCV000554204.3), dbSNP rs1469918162, ClinGen allele CA658823155.

ClinVar aggregate classification (germline): Likely pathogenic. Review status: criteria provided, single submitter (1 of 4 stars). 2 submissions from 2 submitters: Likely pathogenic (1). 1 of the submissions does not count toward it. Last evaluated 2025-12-17.

Conditions:
Smith-Lemli-Opitz syndrome (SLOS). Also called: LETHAL ACRODYSGENITAL SYNDROME; POLYDACTYLY, SEX REVERSAL, RENAL HYPOPLASIA, AND UNILOBAR LUNG; RSH SYNDROME; RUTLEDGE LETHAL MULTIPLE CONGENITAL ANOMALY SYNDROME; 7-Dehydrocholesterol reductase deficiency. Identifiers: Orphanet 818, MedGen C0175694, MONDO:0010035, OMIM 270400.

Submissions (2):

Natera, Inc.
Classification: Likely pathogenic for Smith-Lemli-Opitz syndrome. Last evaluated: 2025-12-17. Review status: criteria provided, single submitter. Criteria: Natera Variant Classification Schema (03/2026). Collection method: clinical testing. Allele origin: germline.
Comment: The c.934_935delGT variant in DHCR7 is a frameshift variant predicted to elongate the protein beyond the termination codon. This variant is expected to result in nonsense mediated decay, truncation, or a dysfunctional protein product. This variant is rare in the general population with a frequency below the threshold expected for the associated phenotype(s). Given the available evidence, this variant is classified as Likely Pathogenic.

Counsyl
Classification: Likely pathogenic for Smith-Lemli-Opitz syndrome. Last evaluated: 2017-09-29. Review status: no assertion criteria provided. Collection method: clinical testing. Allele origin: unknown. Not counted in ClinVar's aggregate classification.